The following is an entry in ClinVar:

Conditions:
Breast-ovarian cancer, familial, susceptibility to, 1 (BROVCA1). Also called: BRCA1 Hereditary Breast and Ovarian Cancer; OVARIAN CANCER, SUSCEPTIBILITY TO. Identifiers: Orphanet 145, MedGen C2676676, MONDO:0011450, OMIM 604370. Disease mechanism: loss of function.

Submission:

Brotman Baty Institute, University of Washington
No classification provided (evidence only). Condition: Breast-ovarian cancer, familial 1. Review status: no classification provided. Collection method: in vitro. Allele origin: not applicable. Functional consequence: functionally_normal.
ClinVar note: "not provided" was previously submitted as the classification for the variant. However, the classification appeared to be based only on an observation of functional data so it was converted to no classification on 2025-07-30.

NM_007294.4(BRCA1):c.4987-7A>T

Gene: BRCA1 (BRCA1 DNA repair associated; minus strand). Cytogenetic location: 17q21.31.
Variant type: single nucleotide variant.
Coding change: c.4987-7A>T on transcript NM_007294.4 (MANE Select); 7 bases into the intron before coding-DNA position 4987, A replaced by T.
Molecular consequence: intron variant.
Genome position (GRCh38, 1-based): chr17:43,067,702, T>A on the plus strand (A>T on the coding strand, the complement: BRCA1 is on the minus strand). VCF-style: chr17-43067702-T-A. GRCh37 (hg19) VCF-style: chr17-41219719-T-A.
Other names: c.4843-7A>T (NM_001407751.1, NM_001407740.1, NM_001407739.1 and 21 more transcripts); c.4651-7A>T (NM_001407954.1, NM_001407952.1, NM_001407950.1 and 3 more transcripts); c.1411-7A>T (NM_001408504.1, NM_001408503.1, NM_001408502.1); c.1534-7A>T (NM_001408463.1, NM_001408462.1, NM_001408458.1 and 7 more transcripts); c.4840-7A>T (NM_001407847.1, NM_001407841.1, NM_001407838.1 and 12 more transcripts); c.1414-7A>T (NM_001408499.1, NM_001408498.1, NM_001408501.1 and 3 more transcripts); c.4720-7A>T (NM_001407933.1, NM_001407927.1, NM_001407931.1 and 4 more transcripts); c.4723-7A>T (NM_001407923.1, NM_001407922.1, NM_001407925.1 and 4 more transcripts); and 71 more.
Identifiers: ClinVar variation 868491 (VCV000868491.3), dbSNP rs1025136518, ClinGen allele CA916080173.
Genomic context (GRCh38, chr17:43,067,702, plus strand): 5'-AATTAGATTAGTTAAAGTGATGTGGTGTTTTCTGGCAAACTTGTACACGAGCATCTGAAA[T>A]TAAATCAAATATTCCATTATCATGAGTTACCTCTAGCACACAGCTCAGAATACTAGTTAT-3'